The following is an entry in ClinVar:

ClinVar aggregate classification (germline): Uncertain significance (1 of 4 stars; one submission).

Conditions:
Myofibrillar myopathy 5. Also called: Filaminopathy (type); FILAMINOPATHY, AUTOSOMAL DOMINANT. Identifiers: Orphanet 171445, MedGen C1836050, MONDO:0012289, OMIM 609524.
Distal myopathy with posterior leg and anterior hand involvement. Also called: WILLIAMS DISTAL MYOPATHY. Identifiers: Orphanet 63273, MedGen C3279722, MONDO:0013550, OMIM 614065.
Hypertrophic cardiomyopathy 26. Also called: Cardiomyopathy, familial hypertrophic, 26. Identifiers: Orphanet 75249, MedGen C4310749, MONDO:0014883, OMIM 617047.

Submission:

Labcorp Genetics (formerly Invitae), Labcorp
Classification: Uncertain significance for Distal myopathy with posterior leg and anterior hand involvement; Myofibrillar myopathy 5; Hypertrophic cardiomyopathy 26. Last evaluated: 2023-09-03. Review status: criteria provided, single submitter. Criteria: Invitae Variant Classification Sherloc (09022015). Collection method: clinical testing. Allele origin: germline.
Comment: In summary, the available evidence is currently insufficient to determine the role of this variant in disease. Therefore, it has been classified as a Variant of Uncertain Significance. Advanced modeling of protein sequence and biophysical properties (such as structural, functional, and spatial information, amino acid conservation, physicochemical variation, residue mobility, and thermodynamic stability) has been performed at Invitae for this missense variant, however the output from this modeling did not meet the statistical confidence thresholds required to predict the impact of this variant on FLNC protein function. This variant has not been reported in the literature in individuals affected with FLNC-related conditions. This variant is not present in population databases (gnomAD no frequency). This sequence change replaces arginine, which is basic and polar, with proline, which is neutral and non-polar, at codon 1434 of the FLNC protein (p.Arg1434Pro).

NM_001458.5(FLNC):c.4301G>C (p.Arg1434Pro)

Gene: FLNC (filamin C; plus strand). Cytogenetic location: 7q32.1.
Variant type: single nucleotide variant.
Coding change: c.4301G>C on transcript NM_001458.5 (MANE Select); coding-DNA position 4301, G replaced by C.
Protein change: p.Arg1434Pro; replaces arginine 1434 with proline.
Molecular consequence: missense variant.
Genome position (GRCh38, 1-based): chr7:128,847,709, G>C. VCF-style: chr7-128847709-G-C. GRCh37 (hg19) VCF-style: chr7-128487763-G-C.
Other names: c.4301G>C, p.Arg1434Pro (NM_001127487.2); short protein forms R1434P.
Identifiers: ClinVar variation 2951548 (VCV002951548.3), dbSNP rs143623535, ClinGen allele CA369201090.